The following is an entry in ClinVar:

NM_025220.5(ADAM33):c.1260C>T (p.Cys420=)

Gene: ADAM33 (ADAM metallopeptidase domain 33; minus strand). Cytogenetic location: 20p13.
Variant type: single nucleotide variant.
Coding change: c.1260C>T on transcript NM_025220.5 (MANE Select); coding-DNA position 1260, C replaced by T.
Protein change: p.Cys420=; no amino-acid change (cysteine 420 retained).
Molecular consequence: synonymous variant.
Genome position (GRCh38, 1-based): chr20:3,672,772, G>A on the plus strand (C>T on the coding strand, the complement: ADAM33 is on the minus strand). VCF-style: chr20-3672772-G-A. GRCh37 (hg19) VCF-style: chr20-3653419-G-A.
Other names: c.1260C>T, p.Cys420= (NM_001282447.3, NM_153202.4).
Identifiers: ClinVar variation 2652175 (VCV002652175.24), dbSNP rs562390090, ClinGen allele CA9745423.

ClinVar aggregate classification (germline): Likely benign (1 of 4 stars; one submission).

Allele frequency attached by ClinVar (database versions not stated): ExAC 0.00001; gnomAD exomes 0.00001; gnomAD 0.00002; TOPMed 0.00003; 1000 Genomes Project 30x 0.00016; 1000 Genomes Project 0.00020.
gnomAD v4.1: 29 of 1,569,014 alleles (0.0018%); highest among the groups gnomAD compares: Middle Eastern, 0.021%; no homozygotes.

Submission:

CeGaT Center for Human Genetics Tuebingen
Classification: Likely benign. Last evaluated: 2022-03-01. Review status: criteria provided, single submitter. Criteria: CeGaT Center For Human Genetics Tuebingen Variant Classification Criteria Version 2. Collection method: clinical testing. Allele origin: germline. Affected: yes. Observed: 1 variant allele.
Comment: ADAM33: BP4, BP7